The following is an entry in ClinVar:

NM_000395.3(CSF2RB):c.2112C>A (p.Asp704Glu)

Gene: CSF2RB (colony stimulating factor 2 receptor subunit beta; plus strand). Cytogenetic location: 22q12.3.
Variant type: single nucleotide variant.
Coding change: c.2112C>A on transcript NM_000395.3 (MANE Select); coding-DNA position 2112, C replaced by A.
Protein change: p.Asp704Glu; replaces aspartic acid 704 with glutamic acid.
Molecular consequence: missense variant.
Genome position (GRCh38, 1-based): chr22:36,937,920, C>A. VCF-style: chr22-36937920-C-A. GRCh37 (hg19) VCF-style: chr22-37333962-C-A.
Other names: c.2130C>A, p.Asp710Glu (NM_001410827.1); short protein forms D710E, D704E.
Identifiers: ClinVar variation 2998424 (VCV002998424.3), dbSNP rs1941306098, ClinGen allele CA411410856.

ClinVar aggregate classification (germline): Uncertain significance (1 of 4 stars; one submission).

Allele frequency attached by ClinVar (database versions not stated): gnomAD exomes below 0.00001.
gnomAD v4.1: 3 of 1,614,134 alleles (0.00019%); highest among the groups gnomAD compares: Middle Eastern, 0.016%; no homozygotes.

Submission:

Labcorp Genetics (formerly Invitae), Labcorp
Classification: Uncertain significance. Last evaluated: 2022-11-26. Review status: criteria provided, single submitter. Criteria: Invitae Variant Classification Sherloc (09022015). Collection method: clinical testing. Allele origin: germline.
Comment: Advanced modeling of protein sequence and biophysical properties (such as structural, functional, and spatial information, amino acid conservation, physicochemical variation, residue mobility, and thermodynamic stability) performed at Invitae indicates that this missense variant is not expected to disrupt CSF2RB protein function. In summary, the available evidence is currently insufficient to determine the role of this variant in disease. Therefore, it has been classified as a Variant of Uncertain Significance. This variant has not been reported in the literature in individuals affected with CSF2RB-related conditions. This sequence change replaces aspartic acid, which is acidic and polar, with glutamic acid, which is acidic and polar, at codon 704 of the CSF2RB protein (p.Asp704Glu). This variant is not present in population databases (gnomAD no frequency).